The following is an entry in ClinVar:

ClinVar aggregate classification (germline): Likely benign (1 of 4 stars; one submission).

Submission:

GeneDx
Classification: Likely benign. Last evaluated: 2017-12-04. Review status: criteria provided, single submitter. Criteria: GeneDx Variant Classification (06012015). Collection method: clinical testing. Allele origin: germline. Affected: yes.
Comment: This variant is considered likely benign or benign based on one or more of the following criteria: it is a conservative change, it occurs at a poorly conserved position in the protein, it is predicted to be benign by multiple in silico algorithms, and/or has population frequency not consistent with disease.

NM_002880.4(RAF1):c.1629G>T (p.Thr543=)

Gene: RAF1 (Raf-1 proto-oncogene, serine/threonine kinase; minus strand). Cytogenetic location: 3p25.2.
Variant type: single nucleotide variant.
Coding change: c.1629G>T on transcript NM_002880.4 (MANE Select); coding-DNA position 1629, G replaced by T.
Protein change: p.Thr543=; no amino-acid change (threonine 543 retained).
Molecular consequence: synonymous variant. On other transcripts: non-coding transcript variant (3).
Genome position (GRCh38, 1-based): chr3:12,585,161, C>A on the plus strand (G>T on the coding strand, the complement: RAF1 is on the minus strand). VCF-style: chr3-12585161-C-A. GRCh37 (hg19) VCF-style: chr3-12626660-C-A.
Other names: c.1689G>T, p.Thr563= (NM_001354689.3); c.1629G>T, p.Thr543= (NM_001354690.3); c.1386G>T, p.Thr462= (NM_001354691.3, NM_001354692.3); c.1530G>T, p.Thr510= (NM_001354693.3); c.1446G>T, p.Thr482= (NM_001354694.3); c.1287G>T, p.Thr429= (NM_001354695.3).
Identifiers: ClinVar variation 513810 (VCV000513810.1), dbSNP rs5746244, ClinGen allele CA432522185.